The following is an entry in ClinVar:

NM_000548.5(TSC2):c.334C>G (p.Gln112Glu)

Gene: TSC2 (TSC complex subunit 2; plus strand). Cytogenetic location: 16p13.3.
Variant type: single nucleotide variant.
Coding change: c.334C>G on transcript NM_000548.5 (MANE Select); coding-DNA position 334, C replaced by G.
Protein change: p.Gln112Glu; replaces glutamine 112 with glutamic acid.
Molecular consequence: missense variant. On other transcripts: intron variant (2).
Genome position (GRCh38, 1-based): chr16:2,053,450, C>G. VCF-style: chr16-2053450-C-G. GRCh37 (hg19) VCF-style: chr16-2103451-C-G.
Other names: c.334C>G, p.Gln112Glu (NM_001077183.3, NM_001114382.3, NM_001363528.2 and 3 more transcripts); c.187C>G, p.Gln63Glu (NM_001318829.2); c.367C>G, p.Gln123Glu (NM_001318832.2); c.226-846C>G (NM_001318827.2); c.-1-2746C>G (NM_001318831.2); short protein forms Q123E, Q112E, Q63E.
Identifiers: ClinVar variation 823644 (VCV000823644.18), dbSNP rs397515308, ClinGen allele CA045776.

ClinVar aggregate classification (germline): Uncertain significance. Review status: criteria provided, multiple submitters, no conflicts (2 of 4 stars). 4 submissions from 4 submitters: Uncertain significance (4). Last evaluated 2025-01-08.

Conditions:
Tuberous sclerosis 2 (TSC2). Identifiers: Orphanet 805, MedGen C1860707, MONDO:0013199, OMIM 613254.
Hereditary cancer-predisposing syndrome. Also called: Neoplastic Syndromes, Hereditary; Hereditary Cancer Syndrome; Hereditary neoplastic syndrome; Tumor predisposition. Identifiers: Orphanet 140162, MedGen C0027672, MeSH D009386, MONDO:0015356.
Tuberous sclerosis syndrome (TSC). Also called: Tuberous Sclerosis Complex; Tuberous sclerosis. Identifiers: Orphanet 805, MedGen C0041341, MONDO:0001734.

Allele frequency attached by ClinVar (database versions not stated): gnomAD 0.00001; gnomAD exomes 0.00001; TOPMed 0.00001; ExAC 0.00004; ESP Exome Variant Server 0.00008.
gnomAD v4.1: 9 of 1,569,390 alleles (0.00057%); highest among the groups gnomAD compares: African/African-American, 0.0014%; no homozygotes.

Submissions (4):

Ambry Genetics
Classification: Uncertain significance for Hereditary cancer-predisposing syndrome. Last evaluated: 2025-01-08. Review status: criteria provided, single submitter. Criteria: Ambry Variant Classification Scheme 2023. Collection method: clinical testing. Allele origin: germline.
Comment: The p.Q112E variant (also known as c.334C>G), located in coding exon 3 of the TSC2 gene, results from a C to G substitution at nucleotide position 334. The glutamine at codon 112 is replaced by glutamic acid, an amino acid with highly similar properties. This amino acid position is highly conserved in available vertebrate species. In addition, this alteration is predicted to be deleterious by in silico analysis. Based on the available evidence, the clinical significance of this variant remains unclear.

All of Us Research Program, National Institutes of Health
Classification: Uncertain significance for Tuberous sclerosis syndrome. Last evaluated: 2023-12-18. Review status: criteria provided, single submitter. Criteria: ACMG Guidelines, 2015. Collection method: clinical testing. Allele origin: germline. Inheritance: Autosomal dominant inheritance. Observed: 1 variant allele, 1 heterozygote.
Comment: This missense variant replaces glutamine with glutamic acid at codon 112 of the TSC2 protein. Computational prediction suggests that this variant may have deleterious impact on protein structure and function (internally defined REVEL score threshold >= 0.7, PMID: 27666373). To our knowledge, functional studies have not been reported for this variant. This variant has not been reported in individuals affected with TSC2-related disorders in the literature. This variant has been identified in 2/173014 chromosomes in the general population by the Genome Aggregation Database (gnomAD). The available evidence is insufficient to determine the role of this variant in disease conclusively. Therefore, this variant is classified as a Variant of Uncertain Significance.

This study involves interpretation of variants in research participants for the purpose of population health screening. Participant phenotype was not available at the time of variant classification. Additional details can be found in publication PMID: 35346344, PMCID: PMC8962531

Labcorp Genetics (formerly Invitae), Labcorp
Classification: Uncertain significance for Tuberous sclerosis 2. Last evaluated: 2022-12-08. Review status: criteria provided, single submitter. Criteria: Invitae Variant Classification Sherloc (09022015). Collection method: clinical testing. Allele origin: germline.
Comment: This variant has not been reported in the literature in individuals affected with TSC2-related conditions. RNA analysis performed to evaluate the impact of this missense change on mRNA splicing indicates it does not significantly alter splicing (Invitae). Algorithms developed to predict the effect of missense changes on protein structure and function are either unavailable or do not agree on the potential impact of this missense change (SIFT: "Deleterious"; PolyPhen-2: "Probably Damaging"; Align-GVGD: "Class C0"). ClinVar contains an entry for this variant (Variation ID: 823644). In summary, the available evidence is currently insufficient to determine the role of this variant in disease. Therefore, it has been classified as a Variant of Uncertain Significance. This variant is present in population databases (rs397515308, gnomAD 0.01%). This sequence change replaces glutamine, which is neutral and polar, with glutamic acid, which is acidic and polar, at codon 112 of the TSC2 protein (p.Gln112Glu).

Genome-Nilou Lab
Classification: Uncertain significance for Tuberous sclerosis 2. Last evaluated: 2021-11-07. Review status: criteria provided, single submitter. Criteria: ACMG Guidelines, 2015. Collection method: clinical testing. Allele origin: germline. Affected: no.